The following is an entry in ClinVar:

NM_032119.4(ADGRV1):c.17461T>C (p.Ser5821Pro)

Gene: ADGRV1 (adhesion G protein-coupled receptor V1; plus strand). Cytogenetic location: 5q14.3.
Variant type: single nucleotide variant.
Coding change: c.17461T>C on transcript NM_032119.4 (MANE Select); coding-DNA position 17461, T replaced by C.
Protein change: p.Ser5821Pro; replaces serine 5821 with proline.
Molecular consequence: missense variant. On other transcripts: non-coding transcript variant (1).
Genome position (GRCh38, 1-based): chr5:90,854,068, T>C. VCF-style: chr5-90854068-T-C. GRCh37 (hg19) VCF-style: chr5-90149885-T-C.
Other names: c.17461T>C (NM_032119.3); short protein forms S5821P.
Identifiers: ClinVar variation 1915342 (VCV001915342.6), dbSNP rs2532548217, ClinGen allele CA360430435.
Genomic context (GRCh38, chr5:90,854,068, plus strand): 5'-AGTCATTACACCAATTGTAAAACATCATTATATGTTCTGTTTTTAACATTCTAGGTATTA[T>C]CTTTGAGTGTGAAAGGTCAGAGTTCACAACTCCTGACTAATGACAATGAGGTTCTCTACA-3'
Protein context (NP_115495.3, residues 5811-5831): NLPTLKNKVL[Ser5821Pro]LSVKGQSSQL

ClinVar aggregate classification (germline): Uncertain significance. Review status: criteria provided, multiple submitters, no conflicts (2 of 4 stars). 2 submissions from 2 submitters: Uncertain significance (2). Last evaluated 2023-07-01.

Conditions:
Usher syndrome type 2C. Also called: Usher syndrome, type 2B; USHER SYNDROME, TYPE IIC. Identifiers: Orphanet 231178, Orphanet 886, MedGen C2931213, MONDO:0011558, OMIM 605472.

Submissions (2):

DECIPHERD-UDD, Universidad del Desarrollo
Classification: Uncertain significance for Usher syndrome type 2C. Last evaluated: 2023-07-01. Review status: criteria provided, single submitter. Criteria: ACMG Guidelines, 2015. Collection method: research. Allele origin: maternal. Affected: yes.

Labcorp Genetics (formerly Invitae), Labcorp
Classification: Uncertain significance. Last evaluated: 2022-07-26. Review status: criteria provided, single submitter. Criteria: Invitae Variant Classification Sherloc (09022015). Collection method: clinical testing. Allele origin: germline.
Comment: Algorithms developed to predict the effect of missense changes on protein structure and function are either unavailable or do not agree on the potential impact of this missense change (SIFT: "Deleterious"; PolyPhen-2: "Benign"; Align-GVGD: "Class C0"). This sequence change replaces serine, which is neutral and polar, with proline, which is neutral and non-polar, at codon 5821 of the ADGRV1 protein (p.Ser5821Pro). This variant is not present in population databases (gnomAD no frequency). This variant has not been reported in the literature in individuals affected with ADGRV1-related conditions. In summary, the available evidence is currently insufficient to determine the role of this variant in disease. Therefore, it has been classified as a Variant of Uncertain Significance.

Literature cited by the submitters: PubMed 38177409 (cited by DECIPHERD-UDD, Universidad del Desarrollo).